The following is an entry in ClinVar:

ClinVar aggregate classification (germline): Likely benign. Review status: criteria provided, multiple submitters, no conflicts (2 of 4 stars). 2 submissions from 2 submitters: Likely benign (2). Last evaluated 2025-10-26.

Conditions:
Age related macular degeneration 14. Also called: MACULAR DEGENERATION, AGE-RELATED, 14, REDUCED RISK OF. Identifiers: MedGen C3809653, MONDO:0014207, OMIM 615489.

Allele frequency attached by ClinVar (database versions not stated): gnomAD 0.00006; TOPMed 0.00010; ESP Exome Variant Server 0.00012; gnomAD exomes 0.00026 and 0.00055; ExAC 0.00034; 1000 Genomes Project 30x 0.00125; 1000 Genomes Project 0.00160.
gnomAD v4.1: 822 of 1,613,050 alleles (0.051%); highest among the groups gnomAD compares: East Asian, 1.8%; 16 homozygotes.

Submissions (2):

Labcorp Genetics (formerly Invitae), Labcorp
Classification: Likely benign. Last evaluated: 2025-10-26. Review status: criteria provided, single submitter. Criteria: Invitae Variant Classification Sherloc (09022015). Collection method: clinical testing. Allele origin: germline.

Illumina Laboratory Services, Illumina
Classification: Likely benign for Age related macular degeneration 14. Last evaluated: 2018-01-12. Review status: criteria provided, single submitter. Criteria: ICSL Variant Classification Criteria 13 December 2019. Collection method: clinical testing. Allele origin: germline.
Comment: This variant was observed in the ICSL laboratory as part of a predisposition screen in an ostensibly healthy population. It had not been previously curated by ICSL or reported in the Human Gene Mutation Database (HGMD: prior to June 1st, 2018), and was therefore a candidate for classification through an automated scoring system. Utilizing variant allele frequency, disease prevalence and penetrance estimates, and inheritance mode, an automated score was calculated to assess if this variant is too frequent to cause the disease. Based on the score and internal cut-off values, a variant classified as likely benign is not then subjected to further curation. The score for this variant resulted in a classification of likely benign for this disease.

NM_000063.6(C2):c.1529G>A (p.Arg510His)

Gene: C2 (complement C2; plus strand). Cytogenetic location: 6p21.33.
Variant type: single nucleotide variant.
Coding change: c.1529G>A on transcript NM_000063.6 (MANE Select); coding-DNA position 1529, G replaced by A.
Protein change: p.Arg510His; replaces arginine 510 with histidine.
Molecular consequence: missense variant.
Genome position (GRCh38, 1-based): chr6:31,943,489, G>A. VCF-style: chr6-31943489-G-A. GRCh37 (hg19) VCF-style: chr6-31911266-G-A.
Other names: c.1133G>A, p.Arg378His (NM_001145903.3); c.887G>A, p.Arg296His (NM_001178063.3); c.791G>A, p.Arg264His (NM_001282457.2); c.1442G>A, p.Arg481His (NM_001282458.2); short protein forms R510H, R296H, R264H, R378H, R481H.
Identifiers: ClinVar variation 356251 (VCV000356251.13), dbSNP rs45476300, ClinGen allele CA3727727.
Genomic context (GRCh38, chr6:31,943,489, plus strand): 5'-AGACCTGCCGGGGGGCCCTCATCTCCGACCAATGGGTCCTGACAGCAGCTCATTGCTTCC[G>A]CGATGGCAACGACCACTCCCTGTGGAGGGTCAATGTGGGTAAGGCAGGGGATGCACCAGC-3'
Protein context (NP_000054.2, residues 500-520): QWVLTAAHCF[Arg510His]DGNDHSLWRV